The following is an entry in ClinVar:

ClinVar aggregate classification (germline): Conflicting classifications of pathogenicity. Review status: criteria provided, conflicting classifications (1 of 4 stars). 2 submissions from 2 submitters: Uncertain significance (1); Likely benign (1). Last evaluated 2025-11-03.

Allele frequency attached by ClinVar (database versions not stated): gnomAD 0.00001; ExAC 0.00003; TOPMed 0.00003; gnomAD exomes 0.00004.
gnomAD v4.1: 59 of 1,613,518 alleles (0.0037%); highest among the groups gnomAD compares: East Asian, 0.0067%; no homozygotes.

Submissions (2):

Ambry Genetics
Classification: Likely benign. Last evaluated: 2025-11-03. Review status: criteria provided, single submitter. Criteria: Ambry Variant Classification Scheme 2023. Collection method: clinical testing. Allele origin: germline.

Labcorp Genetics (formerly Invitae), Labcorp
Classification: Uncertain significance. Last evaluated: 2025-01-06. Review status: criteria provided, single submitter. Criteria: Invitae Variant Classification Sherloc (09022015). Collection method: clinical testing. Allele origin: germline.
Comment: This sequence change replaces asparagine, which is neutral and polar, with serine, which is neutral and polar, at codon 122 of the SUCO protein (p.Asn122Ser). This variant is present in population databases (rs202030341, gnomAD 0.01%). This variant has not been reported in the literature in individuals affected with SUCO-related conditions. ClinVar contains an entry for this variant (Variation ID: 2694133). An algorithm developed to predict the effect of missense changes on protein structure and function outputs the following: PolyPhen-2: "Benign". The serine amino acid residue is found in multiple mammalian species, which suggests that this missense change does not adversely affect protein function. In summary, the available evidence is currently insufficient to determine the role of this variant in disease. Therefore, it has been classified as a Variant of Uncertain Significance.

NM_014283.5(SUCO):c.365A>G (p.Asn122Ser)

Gene: SUCO (SUN domain containing ossification factor; plus strand). Cytogenetic location: 1q24.3.
Variant type: single nucleotide variant.
Coding change: c.365A>G on transcript NM_014283.5 (MANE Select); coding-DNA position 365, A replaced by G.
Protein change: p.Asn122Ser; replaces asparagine 122 with serine.
Molecular consequence: missense variant. On other transcripts: 5 prime UTR variant (1).
Genome position (GRCh38, 1-based): chr1:172,555,945, A>G. VCF-style: chr1-172555945-A-G. GRCh37 (hg19) VCF-style: chr1-172525085-A-G.
Other names: c.254A>G, p.Asn85Ser (NM_001282750.2); c.-1165A>G (NM_001282751.2); c.839A>G, p.Asn280Ser (NM_016227.4); c.365A>G (NM_014283.3); short protein forms N85S, N280S, N122S.
Identifiers: ClinVar variation 2694133 (VCV002694133.4), dbSNP rs202030341, ClinGen allele CA1246536.
Genomic context (GRCh38, chr1:172,555,945, plus strand): 5'-AGTTAAGTCCACCGGTGGTGGAGACACTCCCTACAGTTGATTTGCATGAAGAGTCTTCCA[A>G]TGCAGTTGTGGACAGTGAAACTGTTGAAAATATTTCCAGCTCATCTACCTCAGAAATCAC-3'
Protein context (NP_055098.1, residues 112-132): PTVDLHEESS[Asn122Ser]AVVDSETVEN